The following is an entry in ClinVar:

ClinVar aggregate classification (germline): Uncertain significance (1 of 4 stars; one submission).

Conditions:
Hereditary cancer-predisposing syndrome. Also called: Tumor predisposition; Hereditary neoplastic syndrome; Hereditary Cancer Syndrome; Neoplastic Syndromes, Hereditary. Identifiers: Orphanet 140162, MedGen C0027672, MeSH D009386, MONDO:0015356.

Submission:

Ambry Genetics
Classification: Uncertain significance for Hereditary cancer-predisposing syndrome. Last evaluated: 2025-04-19. Review status: criteria provided, single submitter. Criteria: Ambry Variant Classification Scheme 2023. Collection method: clinical testing. Allele origin: germline.
Comment: The p.S250R variant (also known as c.748A>C), located in coding exon 3 of the SMARCA4 gene, results from an A to C substitution at nucleotide position 748. The serine at codon 250 is replaced by arginine, an amino acid with dissimilar properties. This amino acid position is conserved. In addition, the in silico prediction for this alteration is inconclusive. Based on the available evidence, the clinical significance of this variant remains unclear.

NM_003072.5(SMARCA4):c.748A>C (p.Ser250Arg)

Gene: SMARCA4 (SWI/SNF related BAF chromatin remodeling complex subunit ATPase 4; plus strand). Cytogenetic location: 19p13.2.
Variant type: single nucleotide variant.
Coding change: c.748A>C on transcript NM_003072.5 (MANE Select); coding-DNA position 748, A replaced by C.
Protein change: p.Ser250Arg; replaces serine 250 with arginine.
Molecular consequence: missense variant. On other transcripts: non-coding transcript variant (1).
Genome position (GRCh38, 1-based): chr19:10,986,581, A>C. VCF-style: chr19-10986581-A-C. GRCh37 (hg19) VCF-style: chr19-11097257-A-C.
Other names: c.748A>C, p.Ser250Arg (NM_001128844.3, NM_001128845.2, NM_001128846.2 and 6 more transcripts); short protein forms S250R.
Identifiers: ClinVar variation 3958443 (VCV003958443.1).